The following is an entry in ClinVar:

ClinVar aggregate classification (somatic clinical impact): Tier I - Strong (1 of 4 stars; one submission).

Conditions:
Pheochromocytoma. Also called: MAX-Related Hereditary Paraganglioma-Pheochromocytoma Syndrome. Identifiers: Orphanet 29072, MedGen C0031511, MONDO:0008233, OMIM 171300, HP:0002666.

Submission:

Institute for Genomic Medicine (IGM) Clinical Laboratory, Nationwide Children's Hospital
Classification: Tier I - Strong for Pheochromocytoma. Assertion type: diagnostic. Clinical significance: supports diagnosis. Last evaluated: 2025-05-01. Review status: criteria provided, single submitter. Criteria: AMP/ASCO/CAP Guidelines, 2017. Collection method: clinical testing. Allele origin: somatic. Affected: yes.
Comment: Variant has Tier I (strong) clinical significance as a diagnostic inclusion criterion in pheochromocytoma, based on the following evidence: 1) Documented in one or more cancer databases (e.g., St. Jude Pecan, COSMIC, CIViC, OncoKB). 2) Appears in one or more well-established professional guidelines (e.g., World Health Organization [WHO]; National Comprehensive Cancer Network [NCCN]) as providing diagnostic, prognostic, or therapeutic information. 3) Diagnostic for a specific tumor type/classification based on well-powered studies with expert-level consensus (Evidence Level B; PMIDs: 21784903, 25545346, 28162975, 29413423, 33362715, 36854674).

Literature cited by the submitters: PubMed 21784903; PubMed 25545346; PubMed 28162975; PubMed 29413423; PubMed 33362715; PubMed 36854674.

NM_000551.4(VHL):c.509T>G (p.Val170Gly)

Genes: VHL (von Hippel-Lindau tumor suppressor; plus strand), LOC107303340 (3p25 von Hippel-Lindau tumor suppressor, E3 ubiquitin protein ligase Alu-mediated recombination region; plus strand). Cytogenetic location: 3p25.3.
Variant type: single nucleotide variant.
Coding change: c.509T>G on transcript NM_000551.4 (MANE Select); coding-DNA position 509, T replaced by G.
Protein change: p.Val170Gly; replaces valine 170 with glycine.
Molecular consequence: missense variant. On other transcripts: 3 prime UTR variant (1), non-coding transcript variant (1).
Genome position (GRCh38, 1-based): chr3:10,149,832, T>G. VCF-style: chr3-10149832-T-G. GRCh37 (hg19) VCF-style: chr3-10191516-T-G.
Other names: c.*63T>G (NM_001354723.2); c.386T>G, p.Val129Gly (NM_198156.3); short protein forms V129G, V170G.
Identifiers: ClinVar variation 4530320 (VCV004530320.1).